The following is an entry in ClinVar:

ClinVar aggregate classification (germline): Pathogenic. Review status: criteria provided, single submitter (1 of 4 stars). 2 submissions from 2 submitters: Pathogenic (1). 1 of the submissions does not count toward it. Last evaluated 2024-09-30.

Conditions:
Sterol carrier protein 2 deficiency. Also called: Leukoencephalopathy with dystonia and motor neuropathy; Leukoencephalopathy, dystonia, motor neuropathy syndrome. Identifiers: Orphanet 163684, MedGen C3150990, MONDO:0013391, OMIM 613724.

Submissions (2):

Labcorp Genetics (formerly Invitae), Labcorp
Classification: Pathogenic. Last evaluated: 2024-09-30. Review status: criteria provided, single submitter. Criteria: Invitae Variant Classification Sherloc (09022015). Collection method: clinical testing. Allele origin: germline.
Comment: This sequence change creates a premature translational stop signal (p.Ile184Asnfs*7) in the SCP2 gene. It is expected to result in an absent or disrupted protein product. Loss-of-function variants in SCP2 are known to be pathogenic (PMID: 16685654, 26497993). This variant is not present in population databases (gnomAD no frequency). This premature translational stop signal has been observed in individual(s) with autosomal recessive leukoencephalopathy (PMID: 16685654). This variant is also known as 545_546insA (I184fsX7). ClinVar contains an entry for this variant (Variation ID: 12810). For these reasons, this variant has been classified as Pathogenic.

OMIM
Classification: Pathogenic for LEUKOENCEPHALOPATHY WITH DYSTONIA AND MOTOR NEUROPATHY (1 patient). Last evaluated: 2006-06-01. Review status: no assertion criteria provided. Collection method: literature only. Allele origin: germline. Not counted in ClinVar's aggregate classification.

Literature cited by the submitters: PubMed 16685654 (cited by Labcorp Genetics (formerly Invitae), Labcorp and OMIM); PubMed 26497993 (cited by Labcorp Genetics (formerly Invitae), Labcorp).

NM_002979.5(SCP2):c.550dup (p.Ile184fs)

Gene: SCP2 (sterol carrier protein 2; plus strand). Cytogenetic location: 1p32.3.
Variant type: Duplication.
Coding change: c.550dup on transcript NM_002979.5 (MANE Select); coding-DNA position 550, one base duplicated (A; older notation c.550dupA).
Protein change: p.Ile184fs; shifts the reading frame from isoleucine 184.
Molecular consequence: frameshift variant.
Genome position (GRCh38, 1-based): chr1:52,974,795, A duplicated; the last of 5 consecutive A bases (chr1:52,974,791-52,974,795); duplicating any one gives the same sequence. VCF-style (leftmost placement, unchanged base first): chr1-52974790-C-CA. GRCh37 (hg19) VCF-style: chr1-53440462-C-CA.
Other names: c.418dup, p.Ile140fs (NM_001007098.3, NM_001193600.2); c.478dup, p.Ile160fs (NM_001193599.2); c.307dup, p.Ile103fs (NM_001193617.2); c.550dup, p.Ile184fs (NM_001330587.2); short protein forms I103fs, I140fs, I160fs, I184fs.
Identifiers: ClinVar variation 12810 (VCV000012810.6), dbSNP rs1572119109, ClinGen allele CA913185016.